The following is an entry in ClinVar:

ClinVar aggregate classification (germline): Likely benign (3 of 4 stars; one submission).

Conditions:
Breast-ovarian cancer, familial, susceptibility to, 1 (BROVCA1). Also called: BRCA1 Hereditary Breast and Ovarian Cancer; OVARIAN CANCER, SUSCEPTIBILITY TO. Identifiers: Orphanet 145, MedGen C2676676, MONDO:0011450, OMIM 604370. Disease mechanism: loss of function.

Allele frequency attached by ClinVar (database versions not stated): gnomAD exomes below 0.00001; ExAC 0.00001.
gnomAD v4.1: 1 of 1,613,642 alleles (0.000062%); highest among the groups gnomAD compares: Non-Finnish European, 0.000085%; no homozygotes.

Submission:

Evidence-based Network for the Interpretation of Germline Mutant Alleles (ENIGMA)
Classification: Likely benign for Breast-ovarian cancer, familial, susceptibility to, 1. Last evaluated: 2017-06-29. Review status: reviewed by expert panel. Criteria: ENIGMA BRCA1/2 Classification Criteria (2017-06-29). Collection method: curation. Allele origin: germline.
Comment: Synonymous substitution variant, with low bioinformatic likelihood to result in a splicing aberration (Splicing prior probability 0.02).

NM_007294.4(BRCA1):c.1569G>A (p.Leu523=)

Gene: BRCA1 (BRCA1 DNA repair associated; minus strand). Cytogenetic location: 17q21.31.
Variant type: single nucleotide variant.
Coding change: c.1569G>A on transcript NM_007294.4 (MANE Select); coding-DNA position 1569, G replaced by A.
Protein change: p.Leu523=; no amino-acid change (leucine 523 retained).
Molecular consequence: synonymous variant. On other transcripts: intron variant (137).
Genome position (GRCh38, 1-based): chr17:43,093,962, C>T on the plus strand (G>A on the coding strand, the complement: BRCA1 is on the minus strand). VCF-style: chr17-43093962-C-T. GRCh37 (hg19) VCF-style: chr17-41245979-C-T.
Other names: c.1356G>A, p.Leu452= (NM_001407571.1, NM_001407853.1, NM_001407894.1 and 9 more transcripts); c.1569G>A, p.Leu523= (NM_001407581.1, NM_001407582.1, NM_001407583.1 and 30 more transcripts); c.1566G>A, p.Leu522= (NM_001407587.1, NM_001407590.1, NM_001407591.1 and 22 more transcripts); c.1560G>A, p.Leu520= (NM_001407646.1, NM_001407647.1); c.1446G>A, p.Leu482= (NM_001407648.1, NM_001407664.1, NM_001407665.1 and 19 more transcripts); c.1443G>A, p.Leu481= (NM_001407649.1, NM_001407670.1, NM_001407671.1 and 11 more transcripts); c.1491G>A, p.Leu497= (NM_001407653.1, NM_001407654.1, NM_001407655.1 and 4 more transcripts); c.1488G>A, p.Leu496= (NM_001407659.1, NM_001407660.1, NM_001407661.1 and 1 more transcripts); and 40 more.
Identifiers: ClinVar variation 427339 (VCV000427339.4), dbSNP rs766934857, ClinGen allele CA057357.
Genomic context (GRCh38, chr17:43,093,962, plus strand): 5'-ACCATTCTGCTCCGTTTGGTTAGTTCCCTGATTTATCATTTCAGGAGTCTTTTGAACTGC[C>T]AAATCTGCTTTCTTGATAAAATCCTCAGGATGAAGGCCTGATGTAGGTCTCCTTTTACGC-3'
Protein context (NP_009225.1, residues 513-533): HPEDFIKKAD[Leu523=]AVQKTPEMIN